The following is an entry in ClinVar:

NM_000089.4(COL1A2):c.844C>T (p.Arg282Cys)

Gene: COL1A2 (collagen type I alpha 2 chain; plus strand). Cytogenetic location: 7q21.3.
Variant type: single nucleotide variant.
Coding change: c.844C>T on transcript NM_000089.4 (MANE Select); coding-DNA position 844, C replaced by T.
Protein change: p.Arg282Cys; replaces arginine 282 with cysteine.
Molecular consequence: missense variant.
Genome position (GRCh38, 1-based): chr7:94,409,373, C>T. VCF-style: chr7-94409373-C-T. GRCh37 (hg19) VCF-style: chr7-94038685-C-T.
Other names: short protein forms R282C.
Identifiers: ClinVar variation 3758919 (VCV003758919.2).

ClinVar aggregate classification (germline): Uncertain significance (1 of 4 stars; one submission).

Conditions:
Ehlers-Danlos syndrome, classic type, 1 (EDSCL1). Also called: EHLERS-DANLOS SYNDROME, GRAVIS TYPE; EHLERS-DANLOS SYNDROME, SEVERE CLASSIC TYPE; Ehlers-Danlos syndrome, type 1; Ehlers-Danlos Syndrome, Classic Type, COL5A1-Related; EDS I. Identifiers: MedGen C0268335, MONDO:0019567, OMIM 130000.
Osteogenesis imperfecta type I (OI1). Also called: OI, TYPE I; OSTEOGENESIS IMPERFECTA TARDA; OSTEOGENESIS IMPERFECTA WITH BLUE SCLERAE; Osteogenesis imperfecta type 1; Lobstein's Disease; Lobstein disease. Identifiers: Orphanet 216796, Orphanet 666, MedGen C0023931, MONDO:0008146, OMIM 166200. Disease mechanism: loss of function.

Submission:

Labcorp Genetics (formerly Invitae), Labcorp
Classification: Uncertain significance for Osteogenesis imperfecta type I; Ehlers-Danlos syndrome, classic type, 1. Last evaluated: 2024-12-24. Review status: criteria provided, single submitter. Criteria: Invitae Variant Classification Sherloc (09022015). Collection method: clinical testing. Allele origin: germline.
Comment: This sequence change replaces arginine, which is basic and polar, with cysteine, which is neutral and slightly polar, at codon 282 of the COL1A2 protein (p.Arg282Cys). This variant is not present in population databases (gnomAD no frequency). This variant has not been reported in the literature in individuals affected with COL1A2-related conditions. Invitae Evidence Modeling of protein sequence and biophysical properties (such as structural, functional, and spatial information, amino acid conservation, physicochemical variation, residue mobility, and thermodynamic stability) indicates that this missense variant is expected to disrupt COL1A2 protein function with a positive predictive value of 95%. In summary, the available evidence is currently insufficient to determine the role of this variant in disease. Therefore, it has been classified as a Variant of Uncertain Significance.